The following is an entry in ClinVar:

ClinVar aggregate classification (germline): Uncertain significance (1 of 4 stars; one submission).

Submission:

Labcorp Genetics (formerly Invitae), Labcorp
Classification: Uncertain significance. Last evaluated: 2023-07-17. Review status: criteria provided, single submitter. Criteria: Invitae Variant Classification Sherloc (09022015). Collection method: clinical testing. Allele origin: germline.
Comment: In summary, the available evidence is currently insufficient to determine the role of this variant in disease. Therefore, it has been classified as a Variant of Uncertain Significance. This variant has not been reported in the literature in individuals affected with SEMA4A-related conditions. An algorithm developed to predict the effect of missense changes on protein structure and function (PolyPhen-2) suggests that this variant is likely to be disruptive. This sequence change replaces glycine, which is neutral and non-polar, with aspartic acid, which is acidic and polar, at codon 714 of the SEMA4A protein (p.Gly714Asp). This variant is not present in population databases (gnomAD no frequency).

NM_022367.4(SEMA4A):c.2141G>A (p.Gly714Asp)

Gene: SEMA4A (semaphorin 4A; plus strand). Cytogenetic location: 1q22.
Variant type: single nucleotide variant.
Coding change: c.2141G>A on transcript NM_022367.4 (MANE Select); coding-DNA position 2141, G replaced by A.
Protein change: p.Gly714Asp; replaces glycine 714 with aspartic acid.
Molecular consequence: missense variant.
Genome position (GRCh38, 1-based): chr1:156,176,852, G>A. VCF-style: chr1-156176852-G-A. GRCh37 (hg19) VCF-style: chr1-156146643-G-A.
Other names: c.2141G>A, p.Gly714Asp (NM_001193300.2, NM_001193301.2, NM_001370567.1); c.1745G>A, p.Gly582Asp (NM_001193302.2); c.1844G>A, p.Gly615Asp (NM_001370568.1); c.1634G>A, p.Gly545Asp (NM_001370569.1, NM_001370571.1); short protein forms G582D, G545D, G714D, G615D.
Identifiers: ClinVar variation 2744598 (VCV002744598.3), dbSNP rs2528329613, ClinGen allele CA342813723.